The following is an entry in ClinVar:

ClinVar aggregate classification (germline): Pathogenic (1 of 4 stars; one submission).

Conditions:
Malan overgrowth syndrome (MALNS). Also called: MALAN SYNDROME; Sotos syndrome 2; NFIX-Related Malan Syndrome. Identifiers: Orphanet 420179, MedGen C3553660, MONDO:0013885, OMIM 614753.

Submission:

Medical Genetics and Prenatal Diagnosis Center, Guangxi Academy of Medical Sciences and the People’s Hospital of Guangxi Zhuang Autonomous Region
Classification: Pathogenic for Malan overgrowth syndrome. Last evaluated: 2023-08-10. Review status: criteria provided, single submitter. Criteria: ACMG Guidelines, 2015. Collection method: clinical testing. Allele origin: de novo. Affected: yes.
Comment: NM_001271043.2(NFIX):c.1182_1189del is a frameshift mutation predicted to cause premature termination of protein synthesis. Loss-of-function is a known pathogenic mechanism for NFIX-associated Malan syndrome (PVS1); this variant is a de novo variant validated by family analysis (PS2_Moderate). This variant was not found in 1000G, the China Genome Database, ExAC, or gnomAD (PM2_Supporting). In summary, based onthe ACMG Guidelines, 2015 (PMID: 25741868), the above evidence supports this variant as pathogenic for Malan syndrome, classified as PVS1, PS2_Moderate, and PM2_Supporting.

NM_001365902.3(NFIX):c.1158_1165del (p.Thr388fs)

Gene: NFIX (nuclear factor I X; plus strand). Cytogenetic location: 19p13.13.
Variant type: Deletion.
Coding change: c.1158_1165del on transcript NM_001365902.3 (MANE Select); coding-DNA positions 1158 to 1165, 8 bases deleted (CCCGACCA; older notation c.1158_1165delCCCGACCA).
Protein change: p.Thr388fs; shifts the reading frame from threonine 388.
Molecular consequence: frameshift variant.
Genome position (GRCh38, 1-based): chr19:13,081,759-13,081,766, CCCGACCA deleted; deleting any 8 consecutive bases within chr19:13,081,757-13,081,766 gives the same sequence; the c. name uses the placement nearest the transcript's 3' end. VCF-style (leftmost placement, unchanged base first): chr19-13081756-GCACCCGAC-G. GRCh37 (hg19) VCF-style: chr19-13192570-GCACCCGAC-G.
Other names: c.1182_1189del, p.Thr396fs (NM_001271043.2); c.1134_1141del, p.Thr380fs (NM_001271044.3, NM_001378404.1); c.1035_1042del, p.Thr347fs (NM_001365982.2); c.1017_1024del, p.Thr341fs (NM_001365983.2); c.1155_1162del, p.Thr387fs (NM_001365984.2, NM_001365985.2); c.1206_1213del, p.Thr404fs (NM_001378405.1); c.1011_1018del, p.Thr339fs (NM_001440616.1, NM_001440617.1); c.1158_1165del, p.Thr388fs (NM_002501.4); short protein forms T339fs, T341fs, T347fs, T380fs, T387fs, T388fs, T396fs, T404fs.
Identifiers: ClinVar variation 4538458 (VCV004538458.1).